The following is an entry in ClinVar:

ClinVar aggregate classification (germline): Uncertain significance (1 of 4 stars; one submission).

Submission:

Labcorp Genetics (formerly Invitae), Labcorp
Classification: Uncertain significance. Last evaluated: 2022-09-01. Review status: criteria provided, single submitter. Criteria: Invitae Variant Classification Sherloc (09022015). Collection method: clinical testing. Allele origin: germline.
Comment: A copy number gain of the genomic region encompassing the full coding sequence of the HMX1 gene has been identified. The boundaries of this event are unknown as they extend beyond the assayed region for this gene and therefore may encompass additional genes. As the precise location of this event is unknown, it may be in tandem or it may be located elsewhere in the genome. Isolated whole-gene copy number gains of HMX1 have not been reported in the literature. However, larger copy number events that include this gene have been reported (PMID: 29450879). Experimental studies and prediction algorithms are not available or were not evaluated, and the functional significance of this variant is currently unknown. In summary, the available evidence is currently insufficient to determine the role of this variant in disease. Therefore, it has been classified as a Variant of Uncertain Significance.

Literature cited by the submitters: PubMed 29450879.

NC_000004.11:g.(?_8869419)_(8873340_?)dup

Gene: HMX1 (H6 family homeobox 1; minus strand). Cytogenetic location: 4p16.1.
Variant type: Duplication.
Identifiers: ClinVar variation 2426500 (VCV002426500.3).